The following is an entry in ClinVar:

NM_000051.4(ATM):c.4553A>G (p.His1518Arg)

Gene: ATM (ATM serine/threonine kinase; plus strand). Cytogenetic location: 11q22.3.
Variant type: single nucleotide variant.
Coding change: c.4553A>G on transcript NM_000051.4 (MANE Select); coding-DNA position 4553, A replaced by G.
Protein change: p.His1518Arg; replaces histidine 1518 with arginine.
Molecular consequence: missense variant.
Genome position (GRCh38, 1-based): chr11:108,292,735, A>G. VCF-style: chr11-108292735-A-G. GRCh37 (hg19) VCF-style: chr11-108163462-A-G.
Other names: c.4553A>G, p.His1518Arg (NM_001351834.2); short protein forms H1518R.
Identifiers: ClinVar variation 824995 (VCV000824995.13), dbSNP rs762132832, ClinGen allele CA382533829.
Genomic context (GRCh38, chr11:108,292,735, plus strand): 5'-TAAGTCAGGTTTGCCAGACAGCCGTGACTTACTGTAAGGATGCTCTAGAAAACCATCTTC[A>G]TGTTATTGTTGGTACACTTATACCCCTTGTGTATGAGCAGGTGGAGGTTCAGAAACAGGT-3'
Protein context (NP_000042.3, residues 1508-1528): YCKDALENHL[His1518Arg]VIVGTLIPLV

ClinVar aggregate classification (germline): Uncertain significance. Review status: criteria provided, multiple submitters, no conflicts (2 of 4 stars). 6 submissions from 6 submitters: Uncertain significance (6). Last evaluated 2026-08-04.

Conditions:
Ataxia-telangiectasia syndrome (AT). Also called: LOUIS-BAR SYNDROME; ATAXIA-TELANGIECTASIA, COMPLEMENTATION GROUP A; ATAXIA-TELANGIECTASIA, FRESNO VARIANT; Ataxia-telangiectasia; Ataxia-telangiectasia, complementation group D; AT, COMPLEMENTATION GROUP C. Identifiers: Orphanet 100, MedGen C0004135, MONDO:0008840, OMIM 208900.
Hereditary cancer-predisposing syndrome. Also called: Neoplastic Syndromes, Hereditary; Hereditary Cancer Syndrome; Tumor predisposition; Hereditary neoplastic syndrome. Identifiers: Orphanet 140162, MedGen C0027672, MeSH D009386, MONDO:0015356.
Familial cancer of breast. Also called: BREAST CANCER, FAMILIAL; hereditary breast carcinoma; Hereditary breast cancer. Identifiers: Orphanet 227535, MedGen C0346153, MONDO:0016419, OMIM 114480. Disease mechanism: loss of function.
ATM-related disorder. Also called: ATM-related disorders; ATM-related condition.

Allele frequency attached by ClinVar (database versions not stated): gnomAD exomes 0.00001.
gnomAD v4.1: 6 of 1,613,980 alleles (0.00037%); highest among the groups gnomAD compares: Non-Finnish European, 0.00051%; no homozygotes.

Submissions (6):

PreventionGenetics, part of Exact Sciences
Classification: Uncertain significance for ATM-related condition. Last evaluated: 2026-08-04. Review status: criteria provided, single submitter. Criteria: ACMG Guidelines, 2015. Collection method: clinical testing. Allele origin: germline.
Comment: The ATM c.4553A>G variant is predicted to result in the amino acid substitution p.His1518Arg. To our knowledge, this variant has not been reported in the literature or in a large population database (gnomAD), indicating this variant is rare. This variant is interpreted as uncertain in ClinVar (Variation ID: 824995). At this time, the clinical significance of this variant is uncertain due to the absence of conclusive functional and genetic evidence.

Labcorp Genetics (formerly Invitae), Labcorp
Classification: Uncertain significance for Ataxia-telangiectasia syndrome. Last evaluated: 2025-09-22. Review status: criteria provided, single submitter. Criteria: Invitae Variant Classification Sherloc (09022015). Collection method: clinical testing. Allele origin: germline.
Comment: This sequence change replaces histidine, which is basic and polar, with arginine, which is basic and polar, at codon 1518 of the ATM protein (p.His1518Arg). This variant is not present in population databases (gnomAD no frequency). This variant has not been reported in the literature in individuals affected with ATM-related conditions. ClinVar contains an entry for this variant (Variation ID: 824995). Invitae Evidence Modeling of protein sequence and biophysical properties (such as structural, functional, and spatial information, amino acid conservation, physicochemical variation, residue mobility, and thermodynamic stability) indicates that this missense variant is not expected to disrupt ATM protein function with a negative predictive value of 95%. In summary, the available evidence is currently insufficient to determine the role of this variant in disease. Therefore, it has been classified as a Variant of Uncertain Significance.

Hereditary Cancer Laboratory, Hospital Universitario 12 de Octubre
Classification: Uncertain significance for Hereditary cancer-predisposing syndrome. Last evaluated: 2024-07-03. Review status: criteria provided, single submitter. Criteria: ACMG Guidelines, 2015. Collection method: clinical testing. Allele origin: germline.
Comment: PM2+BP4

Baylor Genetics
Classification: Uncertain significance for Familial cancer of breast. Last evaluated: 2024-03-27. Review status: criteria provided, single submitter. Criteria: ACMG Guidelines, 2015. Collection method: clinical testing. Allele origin: unknown.

Ambry Genetics
Classification: Uncertain significance for Hereditary cancer-predisposing syndrome. Last evaluated: 2023-11-06. Review status: criteria provided, single submitter. Criteria: Ambry Variant Classification Scheme 2023. Collection method: clinical testing. Allele origin: germline.
Comment: The p.H1518R variant (also known as c.4553A>G), located in coding exon 29 of the ATM gene, results from an A to G substitution at nucleotide position 4553. The histidine at codon 1518 is replaced by arginine, an amino acid with highly similar properties. This amino acid position is well conserved in available vertebrate species. In addition, this alteration is predicted to be tolerated by in silico analysis. Since supporting evidence is limited at this time, the clinical significance of this alteration remains unclear.

Fulgent Genetics
Classification: Uncertain significance for Familial cancer of breast; Ataxia-telangiectasia syndrome. Last evaluated: 2021-11-24. Review status: criteria provided, single submitter. Criteria: ACMG Guidelines, 2015. Collection method: clinical testing. Allele origin: unknown.